The following is an entry in ClinVar:

ClinVar aggregate classification (germline): Uncertain significance (1 of 4 stars; one submission).

gnomAD v4.1: 1 of 1,613,948 alleles (0.000062%); highest among the groups gnomAD compares: African/African-American, 0.0013%; no homozygotes.

Submission:

Labcorp Genetics (formerly Invitae), Labcorp
Classification: Uncertain significance. Last evaluated: 2023-08-05. Review status: criteria provided, single submitter. Criteria: Invitae Variant Classification Sherloc (09022015). Collection method: clinical testing. Allele origin: germline.
Comment: This sequence change replaces alanine, which is neutral and non-polar, with aspartic acid, which is acidic and polar, at codon 436 of the POC5 protein (p.Ala436Asp). The frequency data for this variant in the population databases is considered unreliable, as metrics indicate poor data quality at this position in the gnomAD database. This variant has not been reported in the literature in individuals affected with POC5-related conditions. An algorithm developed to predict the effect of missense changes on protein structure and function (PolyPhen-2) suggests that this variant is likely to be tolerated. In summary, the available evidence is currently insufficient to determine the role of this variant in disease. Therefore, it has been classified as a Variant of Uncertain Significance.

NM_001099271.2(POC5):c.1307C>A (p.Ala436Asp)

Gene: POC5 (POC5 centriolar protein; minus strand). Cytogenetic location: 5q13.3.
Variant type: single nucleotide variant.
Coding change: c.1307C>A on transcript NM_001099271.2 (MANE Select); coding-DNA position 1307, C replaced by A.
Protein change: p.Ala436Asp; replaces alanine 436 with aspartic acid.
Molecular consequence: missense variant.
Genome position (GRCh38, 1-based): chr5:75,685,307, G>T on the plus strand (C>A on the coding strand, the complement: POC5 is on the minus strand). VCF-style: chr5-75685307-G-T. GRCh37 (hg19) VCF-style: chr5-74981132-G-T.
Other names: c.1232C>A, p.Ala411Asp (NM_152408.3); short protein forms A411D, A436D.
Identifiers: ClinVar variation 2750531 (VCV002750531.3), dbSNP rs762882160, ClinGen allele CA360144563.